The following is an entry in ClinVar:

NM_002547.3(OPHN1):c.250G>A (p.Ala84Thr)

Gene: OPHN1 (oligophrenin 1; minus strand). Cytogenetic location: Xq12.
Variant type: single nucleotide variant.
Coding change: c.250G>A on transcript NM_002547.3 (MANE Select); coding-DNA position 250, G replaced by A.
Protein change: p.Ala84Thr; replaces alanine 84 with threonine.
Molecular consequence: missense variant.
Genome position (GRCh38, 1-based): chrX:68,299,001, C>T on the plus strand (G>A on the coding strand, the complement: OPHN1 is on the minus strand). VCF-style: chrX-68299001-C-T. GRCh37 (hg19) VCF-style: chrX-67518843-C-T.
Other names: short protein forms A84T.
Identifiers: ClinVar variation 94075 (VCV000094075.8), dbSNP rs398123687, ClinGen allele CA221949.

ClinVar aggregate classification (germline): Uncertain significance. Review status: criteria provided, multiple submitters, no conflicts (2 of 4 stars). 2 submissions from 2 submitters: Uncertain significance (2). Last evaluated 2022-08-25.

Submissions (2):

GeneDx
Classification: Uncertain significance. Last evaluated: 2022-08-25. Review status: criteria provided, single submitter. Criteria: GeneDx Variant Classification Process June 2021. Collection method: clinical testing. Allele origin: germline. Affected: yes.
Comment: Not observed at significant frequency in large population cohorts (gnomAD); In silico analysis supports that this missense variant does not alter protein structure/function; Has not been previously published as pathogenic or benign to our knowledge

Eurofins Ntd Llc (ga)
Classification: Uncertain significance. Last evaluated: 2012-07-24. Review status: criteria provided, single submitter. Criteria: EGL Classification Definitions 2015. Collection method: clinical testing. Allele origin: germline. Observed: 1 variant allele, 1 hemizygote.